The following is an entry in ClinVar:

ClinVar aggregate classification (germline): Conflicting classifications of pathogenicity. Review status: criteria provided, conflicting classifications (1 of 4 stars). 3 submissions from 3 submitters: Uncertain significance (2); Likely benign (1). Last evaluated 2024-05-01.

Conditions:
Inborn genetic diseases. Identifiers: MedGen C0950123, MeSH D030342.

Allele frequency attached by ClinVar (database versions not stated): gnomAD exomes 0.00001; ExAC 0.00002.
gnomAD v4.1: 18 of 1,613,794 alleles (0.0011%); highest among the groups gnomAD compares: African/African-American, 0.0027%; no homozygotes.

Submissions (3):

CeGaT Center for Human Genetics Tuebingen
Classification: Likely benign. Last evaluated: 2024-05-01. Review status: criteria provided, single submitter. Criteria: CeGaT Center For Human Genetics Tuebingen Variant Classification Criteria Version 2. Collection method: clinical testing. Allele origin: germline. Affected: yes. Observed: 1 variant allele.
Comment: SETBP1: BP4

Labcorp Genetics (formerly Invitae), Labcorp
Classification: Uncertain significance. Last evaluated: 2023-02-24. Review status: criteria provided, single submitter. Criteria: Invitae Variant Classification Sherloc (09022015). Collection method: clinical testing. Allele origin: germline.
Comment: In summary, the available evidence is currently insufficient to determine the role of this variant in disease. Therefore, it has been classified as a Variant of Uncertain Significance. Advanced modeling of protein sequence and biophysical properties (such as structural, functional, and spatial information, amino acid conservation, physicochemical variation, residue mobility, and thermodynamic stability) performed at Invitae indicates that this missense variant is not expected to disrupt SETBP1 protein function. ClinVar contains an entry for this variant (Variation ID: 1503873). This variant has not been reported in the literature in individuals affected with SETBP1-related conditions. This variant is present in population databases (rs773392085, gnomAD 0.0009%). This sequence change replaces glycine, which is neutral and non-polar, with alanine, which is neutral and non-polar, at codon 1392 of the SETBP1 protein (p.Gly1392Ala).

Ambry Genetics
Classification: Uncertain significance for Inborn genetic diseases. Last evaluated: 2021-11-30. Review status: criteria provided, single submitter. Criteria: Ambry Variant Classification Scheme 2023. Collection method: clinical testing. Allele origin: germline.

NM_015559.3(SETBP1):c.4175G>C (p.Gly1392Ala)

Gene: SETBP1 (SET binding protein 1; plus strand). Cytogenetic location: 18q12.3.
Variant type: single nucleotide variant.
Coding change: c.4175G>C on transcript NM_015559.3 (MANE Select); coding-DNA position 4175, G replaced by C.
Protein change: p.Gly1392Ala; replaces glycine 1392 with alanine.
Molecular consequence: missense variant.
Genome position (GRCh38, 1-based): chr18:45,063,082, G>C. VCF-style: chr18-45063082-G-C. GRCh37 (hg19) VCF-style: chr18-42643047-G-C.
Other names: c.4175G>C, p.Gly1392Ala (NM_001379141.1, NM_001379142.1); c.4175G>C (NM_015559.2); short protein forms G1392A.
Identifiers: ClinVar variation 1503873 (VCV001503873.26), dbSNP rs773392085, ClinGen allele CA8946111.